The following is an entry in ClinVar:

ClinVar aggregate classification (germline): Uncertain significance. Review status: criteria provided, multiple submitters, no conflicts (2 of 4 stars). 4 submissions from 4 submitters: Uncertain significance (4). Last evaluated 2026-04-16.

Conditions:
Pontocerebellar hypoplasia, hypotonia, and respiratory insufficiency syndrome, neonatal lethal. Also called: PHRINL SYNDROME. Identifiers: Orphanet 615954, MedGen C5394137, MONDO:0032931, OMIM 618810.
Inborn genetic diseases. Identifiers: MedGen C0950123, MeSH D030342.

gnomAD v4.1: 41 of 1,612,524 alleles (0.0025%); highest among the groups gnomAD compares: Non-Finnish European, 0.0031%; no homozygotes.

Submissions (4):

Women's Health and Genetics/Laboratory Corporation of America, LabCorp
Classification: Uncertain significance. Last evaluated: 2026-04-16. Review status: criteria provided, single submitter. Criteria: LabCorp Variant Classification Summary - May 2015. Collection method: clinical testing. Allele origin: germline.
Comment: Variant summary: ATAD3A c.1315C>T (p.Arg439Cys) results in a non-conservative amino acid change in the encoded protein sequence. Algorithms developed to predict the effect of missense changes on protein structure and function all suggest that this variant is likely to be disruptive. The variant allele was found at a frequency of 1.7e-05 in 242312 control chromosomes. The available data on variant occurrences in the general population are insufficient to allow any conclusion about variant significance. To our knowledge, no occurrence of c.1315C>T in individuals affected with ATAD3A-related conditions and no experimental evidence demonstrating its impact on protein function have been reported. ClinVar contains an entry for this variant (Variation ID: 3362412). Based on the evidence outlined above, the variant was classified as uncertain significance.

GeneDx
Classification: Uncertain significance. Last evaluated: 2025-07-25. Review status: criteria provided, single submitter. Criteria: GeneDx Variant Classification Process June 2021. Collection method: clinical testing. Allele origin: germline. Affected: yes.
Comment: In silico analysis supports that this missense variant has a deleterious effect on protein structure/function; This variant is associated with the following publications: (PMID: 34547244, 32719394)

Ambry Genetics
Classification: Uncertain significance for Inborn genetic diseases. Last evaluated: 2025-03-14. Review status: criteria provided, single submitter. Criteria: Ambry Variant Classification Scheme 2023. Collection method: clinical testing. Allele origin: germline.

Genomic Medicine Center of Excellence, King Faisal Specialist Hospital and Research Centre
Classification: Uncertain significance for Pontocerebellar hypoplasia, hypotonia, and respiratory insufficiency syndrome, neonatal lethal. Last evaluated: 2024-09-22. Review status: criteria provided, single submitter. Criteria: ACMG Guidelines, 2015. Collection method: clinical testing. Allele origin: germline.

NM_001170535.3(ATAD3A):c.1315C>T (p.Arg439Cys)

Gene: ATAD3A (ATPase family AAA domain containing 3A; plus strand). Cytogenetic location: 1p36.33.
Variant type: single nucleotide variant.
Coding change: c.1315C>T on transcript NM_001170535.3 (MANE Select); coding-DNA position 1315, C replaced by T.
Protein change: p.Arg439Cys; replaces arginine 439 with cysteine.
Molecular consequence: missense variant.
Genome position (GRCh38, 1-based): chr1:1,526,509, C>T. VCF-style: chr1-1526509-C-T. GRCh37 (hg19) VCF-style: chr1-1461889-C-T.
Other names: c.1078C>T, p.Arg360Cys (NM_001170536.3); c.1459C>T, p.Arg487Cys (NM_018188.5); c.1459C>T (NM_018188.3); c.1315C>T (NM_001170535.1); short protein forms R360C, R439C, R487C.
Identifiers: ClinVar variation 3362412 (VCV003362412.4).